The following is an entry in ClinVar:

NM_000387.6(SLC25A20):c.292A>T (p.Lys98Ter)

Gene: SLC25A20 (solute carrier family 25 member 20; minus strand). Cytogenetic location: 3p21.31.
Variant type: single nucleotide variant.
Coding change: c.292A>T on transcript NM_000387.6 (MANE Select); coding-DNA position 292, A replaced by T.
Protein change: p.Lys98Ter; replaces lysine 98 with a stop codon.
Molecular consequence: nonsense.
Genome position (GRCh38, 1-based): chr3:48,884,031, T>A on the plus strand (A>T on the coding strand, the complement: SLC25A20 is on the minus strand). VCF-style: chr3-48884031-T-A. GRCh37 (hg19) VCF-style: chr3-48921464-T-A.
Other names: short protein forms K98*.
Identifiers: ClinVar variation 460439 (VCV000460439.7), dbSNP rs1553686321, ClinGen allele CA352634302.
Genomic context (GRCh38, chr3:48,884,031, plus strand): 5'-AGTGCTCCTGACCTGTAAGTACTCACCTGAGCACATCTTCTGGGTGTTTCTGTTGTAGTT[T>A]CTTCCCCAAACCAAACCCAAAGAAGCACACGGCAAACATGGGAGTGACCCCGATGATAGG-3'

ClinVar aggregate classification (germline): Pathogenic (1 of 4 stars; one submission).

Conditions:
Carnitine acylcarnitine translocase deficiency (CACTD). Identifiers: Orphanet 159, MedGen C0342791, MONDO:0008918, OMIM 212138.

Submission:

Labcorp Genetics (formerly Invitae), Labcorp
Classification: Pathogenic for Carnitine acylcarnitine translocase deficiency. Last evaluated: 2019-11-27. Review status: criteria provided, single submitter. Criteria: Invitae Variant Classification Sherloc (09022015). Collection method: clinical testing. Allele origin: germline.
Comment: For these reasons, this variant has been classified as Pathogenic. While this particular variant has not been reported in the literature, loss-of-function variants in SLC25A20 are known to be pathogenic (PMID: 25614308). This sequence change creates a premature translational stop signal at codon 98 (p.Lys98*) of the SLC25A20 gene. It is expected to result in an absent or disrupted protein product.

Literature cited by the submitters: PubMed 25614308.